The following is an entry in ClinVar:

NM_201384.3(PLEC):c.5185C>T (p.Arg1729Trp)

Gene: PLEC (plectin; minus strand). Cytogenetic location: 8q24.3.
Variant type: single nucleotide variant.
Coding change: c.5185C>T on transcript NM_201384.3 (MANE Select); coding-DNA position 5185, C replaced by T.
Protein change: p.Arg1729Trp; replaces arginine 1729 with tryptophan.
Molecular consequence: missense variant.
Genome position (GRCh38, 1-based): chr8:143,924,744, G>A on the plus strand (C>T on the coding strand, the complement: PLEC is on the minus strand). VCF-style: chr8-143924744-G-A. GRCh37 (hg19) VCF-style: chr8-144998912-G-A.
Other names: c.5266C>T, p.Arg1756Trp (NM_000445.5); c.5143C>T, p.Arg1715Trp (NM_201378.4); c.5119C>T, p.Arg1707Trp (NM_201379.3); c.5266C>T (NM_000445.3); c.5596C>T, p.Arg1866Trp (NM_201380.4); c.5089C>T, p.Arg1697Trp (NM_201381.3); c.5185C>T, p.Arg1729Trp (NM_201382.4); c.5197C>T, p.Arg1733Trp (NM_201383.3); short protein forms R1729W, R1756W, R1733W, R1697W, R1707W, R1715W, R1866W.
Identifiers: ClinVar variation 1371043 (VCV001371043.8), dbSNP rs538896644, ClinGen allele CA4926404.
Genomic context (GRCh38, chr8:143,924,744, plus strand): 5'-TCTGCGTGGCTGCAGCCGCCTCACGCTGCAGCCGGGCCAGCTCCTCCTCCAGCAGCTGCC[G>A]CTGCTGCTCCCCCTGCTCCGTCTCGGCCCGCAGCCGGATCAACTCCTGCTCCGCGGCCAG-3'
Protein context (NP_958786.1, residues 1719-1739): RAETEQGEQQ[Arg1729Trp]QLLEEELARL

ClinVar aggregate classification (germline): Uncertain significance. Review status: criteria provided, multiple submitters, no conflicts (2 of 4 stars). 2 submissions from 2 submitters: Uncertain significance (2). Last evaluated 2024-04-05.

Conditions:
Epidermolysis bullosa simplex 5C, with pyloric atresia (EBS5C). Also called: PLEC-Related Epidermolysis Bullosa with Pyloric Atresia; Epidermolysis bullosa simplex with pyloric atresia; PLEC1-Related Epidermolysis Bullosa with Pyloric Atresia. Identifiers: Orphanet 158684, MedGen C2677349, MONDO:0012807, OMIM 612138.
Epidermolysis bullosa simplex 5B, with muscular dystrophy (EBS5B). Also called: EPIDERMOLYSIS BULLOSA SIMPLEX AND LIMB-GIRDLE MUSCULAR DYSTROPHY; Epidermolysis bullosa simplex with muscular dystrophy. Identifiers: Orphanet 257, MedGen C2931072, MONDO:0009181, OMIM 226670.
Epidermolysis bullosa simplex, Ogna type (EBS5A). Also called: Pidermolysis bullosa simplex 5A, Ogna type; EPIDERMOLYSIS BULLOSA SIMPLEX 5A, OGNA TYPE. Identifiers: Orphanet 79401, MedGen C0432317, MONDO:0007555, OMIM 131950.
Autosomal recessive limb-girdle muscular dystrophy type 2Q (LGMDR17). Also called: MUSCULAR DYSTROPHY, LIMB-GIRDLE, AUTOSOMAL RECESSIVE 17. Identifiers: Orphanet 254361, MedGen C3150989, MONDO:0013390, OMIM 613723.
Epidermolysis bullosa simplex with nail dystrophy (EBS5D). Identifiers: MedGen C4225309, MONDO:0014661, OMIM 616487.

Allele frequency attached by ClinVar (database versions not stated): TOPMed below 0.00001; gnomAD 0.00001; gnomAD exomes 0.00003; 1000 Genomes Project 30x 0.00016; 1000 Genomes Project 0.00020.
gnomAD v4.1: 19 of 1,534,594 alleles (0.0012%); highest among the groups gnomAD compares: Admixed American, 0.0059%; no homozygotes.

Submissions (2):

Labcorp Genetics (formerly Invitae), Labcorp
Classification: Uncertain significance for Autosomal recessive limb-girdle muscular dystrophy type 2Q; Epidermolysis bullosa simplex, Ogna type; Epidermolysis bullosa simplex with nail dystrophy; Epidermolysis bullosa simplex 5C, with pyloric atresia; Epidermolysis bullosa simplex 5B, with muscular dystrophy. Last evaluated: 2024-04-05. Review status: criteria provided, single submitter. Criteria: Invitae Variant Classification Sherloc (09022015). Collection method: clinical testing. Allele origin: germline.
Comment: This sequence change replaces arginine, which is basic and polar, with tryptophan, which is neutral and slightly polar, at codon 1756 of the PLEC protein (p.Arg1756Trp). This variant is present in population databases (rs538896644, gnomAD 0.008%). This variant has not been reported in the literature in individuals affected with PLEC-related conditions. ClinVar contains an entry for this variant (Variation ID: 1371043). Experimental studies and prediction algorithms are not available or were not evaluated, and the functional significance of this variant is currently unknown. In summary, the available evidence is currently insufficient to determine the role of this variant in disease. Therefore, it has been classified as a Variant of Uncertain Significance.

Revvity Omics, Revvity
Classification: Uncertain significance. Last evaluated: 2019-12-24. Review status: criteria provided, single submitter. Criteria: ACMG Guidelines, 2015. Collection method: clinical testing. Allele origin: germline.